The following is an entry in ClinVar:

ClinVar aggregate classification (germline): Conflicting classifications of pathogenicity. Review status: criteria provided, conflicting classifications (1 of 4 stars). 2 submissions from 2 submitters: Likely pathogenic (1); Uncertain significance (1). Last evaluated 2025-04-01.

Conditions:
Abnormal bleeding. Also called: Bleeding diathesis. Identifiers: MedGen C1458140, HP:0001892.

Allele frequency attached by ClinVar (database versions not stated): gnomAD exomes below 0.00001; TOPMed below 0.00001; gnomAD 0.00001.
gnomAD v4.1: 5 of 1,613,650 alleles (0.00031%); highest among the groups gnomAD compares: Non-Finnish European, 0.00042%; no homozygotes.

Submissions (2):

Women's Health and Genetics/Laboratory Corporation of America, LabCorp
Classification: Uncertain significance. Last evaluated: 2025-04-01. Review status: criteria provided, single submitter. Criteria: LabCorp Variant Classification Summary - May 2015. Collection method: clinical testing. Allele origin: germline.
Comment: Variant summary: F7 c.589A>G (p.Lys197Glu) results in a conservative amino acid change in the encoded protein sequence. Four of five in-silico tools predict a benign effect of the variant on protein function. The variant was absent in 251200 control chromosomes. The available data on variant occurrences in the general population are insufficient to allow any conclusion about variant significance. c.589A>G has been reported in the literature in individuals with reduced FVII levels with variable bleeding tendencies (example: Takamiya_1993, Downes_2019, Preisler_2021, Halimeh_2023, Preisler_2024). These report(s) do not provide unequivocal conclusions about association of the variant with Congenital factor VII deficiency. To our knowledge, no experimental evidence demonstrating an impact on protein function has been reported. The following publications have been ascertained in the context of this evaluation (PMID: 31064749, 38202056, 38397060, 33477601, 8242057). ClinVar contains an entry for this variant (Variation ID: 627339). Based on the evidence outlined above, the variant was classified as uncertain significance.

NIHR Bioresource Rare Diseases, University of Cambridge
Classification: Likely pathogenic for Abnormal bleeding. Last evaluated: 2019-02-01. Review status: criteria provided, single submitter. Criteria: ACMG Guidelines, 2015. Collection method: research. Allele origin: unknown. Affected: yes. Observed: 1 heterozygote. Study: ThromboGenomics.

Literature cited by the submitters: PubMed 31064749 (cited by Women's Health and Genetics/Laboratory Corporation of America, LabCorp and NIHR Bioresource Rare Diseases, University of Cambridge); PubMed 33477601 (cited by Women's Health and Genetics/Laboratory Corporation of America, LabCorp); PubMed 38202056 (cited by Women's Health and Genetics/Laboratory Corporation of America, LabCorp); PubMed 38397060 (cited by Women's Health and Genetics/Laboratory Corporation of America, LabCorp); PubMed 8242057 (cited by Women's Health and Genetics/Laboratory Corporation of America, LabCorp).

NM_019616.4(F7):c.523A>G (p.Lys175Glu)

Gene: F7 (coagulation factor VII; plus strand). Cytogenetic location: 13q34.
Variant type: single nucleotide variant.
Coding change: c.523A>G on transcript NM_019616.4 (MANE Select); coding-DNA position 523, A replaced by G.
Protein change: p.Lys175Glu; replaces lysine 175 with glutamic acid.
Molecular consequence: missense variant. On other transcripts: non-coding transcript variant (1).
Genome position (GRCh38, 1-based): chr13:113,116,783, A>G. VCF-style: chr13-113116783-A-G. GRCh37 (hg19) VCF-style: chr13-113771097-A-G.
Other names: c.589A>G, p.Lys197Glu (NM_000131.5); c.337A>G, p.Lys113Glu (NM_001267554.2); short protein forms K175E, K197E, K113E.
Identifiers: ClinVar variation 627339 (VCV000627339.4), dbSNP rs1250204261, ClinGen allele CA388784722.